The following is an entry in ClinVar:

NM_025132.4(WDR19):c.3416A>G (p.Gln1139Arg)

Gene: WDR19 (WD repeat domain 19; plus strand). Cytogenetic location: 4p14.
Variant type: single nucleotide variant.
Coding change: c.3416A>G on transcript NM_025132.4 (MANE Select); coding-DNA position 3416, A replaced by G.
Protein change: p.Gln1139Arg; replaces glutamine 1139 with arginine.
Molecular consequence: missense variant.
Genome position (GRCh38, 1-based): chr4:39,270,033, A>G. VCF-style: chr4-39270033-A-G. GRCh37 (hg19) VCF-style: chr4-39271653-A-G.
Other names: c.2936A>G, p.Gln979Arg (NM_001317924.2); short protein forms Q1139R, Q979R.
Identifiers: ClinVar variation 348751 (VCV000348751.43), dbSNP rs75621037, ClinGen allele CA2892368.

ClinVar aggregate classification (germline): Benign/Likely benign. Review status: criteria provided, multiple submitters, no conflicts (2 of 4 stars). 13 submissions from 9 submitters: Benign (10); Likely benign (1). 2 of the submissions do not count toward it. Last evaluated 2026-01-27.

Conditions:
Cranioectodermal dysplasia 4 (CED4). Identifiers: Orphanet 1515, MedGen C3280616, MONDO:0013719, OMIM 614378.
Asphyxiating thoracic dystrophy 5 (SRTD5). Also called: SHORT-RIB THORACIC DYSPLASIA 5 WITH OR WITHOUT POLYDACTYLY; SHORT-RIB THORACIC DYSPLASIA 5 WITHOUT POLYDACTYLY. Identifiers: Orphanet 474, MedGen C3280598, MONDO:0013717, OMIM 614376.
Senior-Loken syndrome 8 (SLSN8). Identifiers: Orphanet 3156, MedGen C4225376, MONDO:0014579, OMIM 616307.
Nephronophthisis 13 (NPHP13). Identifiers: Orphanet 655, MedGen C3280612, MONDO:0013718, OMIM 614377.
Spermatogenic failure 72 (SPGF72). Identifiers: MedGen C5676980, MONDO:0030809, OMIM 619867.

Allele frequency attached by ClinVar (database versions not stated): gnomAD 0.00065 and 0.00086; TOPMed 0.00096; ExAC 0.00186; gnomAD exomes 0.00187; 1000 Genomes Project 30x 0.00328; 1000 Genomes Project 0.00379.
gnomAD v4.1: 1,145 of 1,613,884 alleles (0.071%); highest among the groups gnomAD compares: East Asian, 2.3%; 17 homozygotes.

Submissions (13):

Labcorp Genetics (formerly Invitae), Labcorp
Classification: Benign for Senior-Loken syndrome 8; Asphyxiating thoracic dystrophy 5. Last evaluated: 2026-01-27. Review status: criteria provided, single submitter. Criteria: Invitae Variant Classification Sherloc (09022015). Collection method: clinical testing. Allele origin: germline.

Blueprint Genetics
Classification: Likely benign. Last evaluated: 2024-11-07. Review status: criteria provided, single submitter. Criteria: ACMG Guidelines, 2015. Collection method: clinical testing. Allele origin: germline.

CeGaT Center for Human Genetics Tuebingen
Classification: Benign. Last evaluated: 2024-03-01. Review status: criteria provided, single submitter. Criteria: CeGaT Center For Human Genetics Tuebingen Variant Classification Criteria Version 2. Collection method: clinical testing. Allele origin: germline. Affected: yes. Observed: 1 variant allele.
Comment: WDR19: BS1, BS2

Genome-Nilou Lab
Classification: Benign for Cranioectodermal dysplasia 4. Last evaluated: 2021-12-05. Review status: criteria provided, single submitter. Criteria: ACMG Guidelines, 2015. Collection method: clinical testing. Allele origin: germline. Affected: no.

Genome-Nilou Lab
Classification: Benign for Nephronophthisis 13. Last evaluated: 2021-12-05. Review status: criteria provided, single submitter. Criteria: ACMG Guidelines, 2015. Collection method: clinical testing. Allele origin: germline. Affected: no.

Genome-Nilou Lab
Classification: Benign for Senior-Loken syndrome 8. Last evaluated: 2021-12-05. Review status: criteria provided, single submitter. Criteria: ACMG Guidelines, 2015. Collection method: clinical testing. Allele origin: germline. Affected: no.

Genome-Nilou Lab
Classification: Benign for Asphyxiating thoracic dystrophy 5. Last evaluated: 2021-12-05. Review status: criteria provided, single submitter. Criteria: ACMG Guidelines, 2015. Collection method: clinical testing. Allele origin: germline. Affected: no.

Fulgent Genetics
Classification: Benign for Asphyxiating thoracic dystrophy 5; Nephronophthisis 13; Cranioectodermal dysplasia 4; Senior-Loken syndrome 8; Spermatogenic failure 72. Last evaluated: 2021-10-27. Review status: criteria provided, single submitter. Criteria: ACMG Guidelines, 2015. Collection method: clinical testing. Allele origin: unknown.

Illumina Laboratory Services, Illumina
Classification: Benign for Asphyxiating thoracic dystrophy 5. Last evaluated: 2018-01-13. Review status: criteria provided, single submitter. Criteria: ICSL Variant Classification Criteria 13 December 2019. Collection method: clinical testing. Allele origin: germline.
Comment: This variant was observed in the ICSL laboratory as part of a predisposition screen in an ostensibly healthy population. It had not been previously curated by ICSL or reported in the Human Gene Mutation Database (HGMD: prior to June 1st, 2018), and was therefore a candidate for classification through an automated scoring system. Utilizing variant allele frequency, disease prevalence and penetrance estimates, and inheritance mode, an automated score was calculated to assess if this variant is too frequent to cause the disease. Based on the score and internal cut-off values, a variant classified as benign is not then subjected to further curation. The score for this variant resulted in a classification of benign for this disease.

Illumina Laboratory Services, Illumina
Classification: Benign for Cranioectodermal dysplasia 4. Last evaluated: 2018-01-13. Review status: criteria provided, single submitter. Criteria: ICSL Variant Classification Criteria 13 December 2019. Collection method: clinical testing. Allele origin: germline.
Comment: the same text as in the submission from Illumina Laboratory Services, Illumina above.

Breakthrough Genomics
Classification: Benign. Review status: criteria provided, single submitter. Criteria: ACMG Guidelines, 2015. Collection method: not provided. Allele origin: germline. Inheritance: Autosomal recessive inheritance. Affected: yes.

Clinical Genetics DNA and cytogenetics Diagnostics Lab, Erasmus MC, Erasmus Medical Center
Classification: Likely benign. Review status: no assertion criteria provided. Collection method: clinical testing. Allele origin: germline. Affected: yes. Study: VKGL Data-share Consensus. Not counted in ClinVar's aggregate classification.

Clinical Genetics, Academic Medical Center
Classification: Benign. Review status: no assertion criteria provided. Collection method: clinical testing. Allele origin: germline. Affected: yes. Study: VKGL Data-share Consensus. Not counted in ClinVar's aggregate classification.